The following is an entry in ClinVar:

ClinVar aggregate classification (germline): Likely benign (1 of 4 stars; one submission).

Conditions:
KSR2-related disorder. Also called: KSR2-related condition.

gnomAD v4.1: 10 of 1,589,482 alleles (0.00063%); highest among the groups gnomAD compares: Non-Finnish European, 0.00086%; no homozygotes.

Submission:

PreventionGenetics, part of Exact Sciences
Classification: Likely benign for KSR2-related condition. Last evaluated: 2026-04-15. Review status: criteria provided, single submitter. Criteria: ACMG Guidelines, 2015. Collection method: clinical testing. Allele origin: germline.
Comment: This variant is classified as likely benign based on ACMG/AMP sequence variant interpretation guidelines (Richards et al. 2015 PMID: 25741868, with internal and published modifications).

NM_173598.6(KSR2):c.2582+9G>A

Gene: KSR2 (kinase suppressor of ras 2; minus strand). Cytogenetic location: 12q24.22.
Variant type: single nucleotide variant.
Coding change: c.2582+9G>A on transcript NM_173598.6 (MANE Select); 9 bases into the intron after coding-DNA position 2582, G replaced by A.
Molecular consequence: intron variant.
Genome position (GRCh38, 1-based): chr12:117,476,455, C>T on the plus strand (G>A on the coding strand, the complement: KSR2 is on the minus strand). VCF-style: chr12-117476455-C-T. GRCh37 (hg19) VCF-style: chr12-117914260-C-T.
Identifiers: ClinVar variation 5002026 (VCV005002026.1).